The following is an entry in ClinVar:

NM_001048174.2(MUTYH):c.668C>G (p.Ala223Gly)

Gene: MUTYH (mutY DNA glycosylase; minus strand). Cytogenetic location: 1p34.1.
Variant type: single nucleotide variant.
Coding change: c.668C>G on transcript NM_001048174.2 (MANE Select); coding-DNA position 668, C replaced by G.
Protein change: p.Ala223Gly; replaces alanine 223 with glycine.
Molecular consequence: missense variant. On other transcripts: non-coding transcript variant (7).
Genome position (GRCh38, 1-based): chr1:45,332,427, G>C on the plus strand (C>G on the coding strand, the complement: MUTYH is on the minus strand). VCF-style: chr1-45332427-G-C. GRCh37 (hg19) VCF-style: chr1-45798099-G-C.
Other names: c.668C>G, p.Ala223Gly (NM_001048171.2, NM_001048173.2, NM_001407070.1 and 6 more transcripts); c.671C>G, p.Ala224Gly (NM_001048172.2, NM_001407071.1, NM_001407078.1 and 1 more transcripts); c.584C>G, p.Ala195Gly (NM_001407075.1); c.701C>G, p.Ala234Gly (NM_001407077.1, NM_001293191.2, NM_001407069.1); c.629C>G, p.Ala210Gly (NM_001407079.1); c.626C>G, p.Ala209Gly (NM_001407080.1); c.752C>G, p.Ala251Gly (NM_001128425.2); c.713C>G, p.Ala238Gly (NM_001293190.2); and 5 more; short protein forms A210G, A234G, A237G, A131G, A209G, A224G, A108G, A223G.
Identifiers: ClinVar variation 4113809 (VCV004113809.1).
Genomic context (GRCh38, chr1:45,332,427, plus strand): 5'-ACCCTTGTTACCCCAACATCCTACCAGAGCTGCTGGGAAACAAGGGTGCTGCTGGGATCA[G>C]CACCAATGGCTCGGACACGGCACAGCACCCGTGCTACGTTGCCATCCACCACACCGGTTG-3'
Protein context (NP_001041639.1, residues 213-233): RVLCRVRAIG[Ala223Gly]DPSSTLVSQQ

ClinVar aggregate classification (germline): Uncertain significance (1 of 4 stars; one submission).

Conditions:
Hereditary cancer-predisposing syndrome. Also called: Hereditary neoplastic syndrome; Neoplastic Syndromes, Hereditary; Tumor predisposition; Hereditary Cancer Syndrome. Identifiers: Orphanet 140162, MedGen C0027672, MeSH D009386, MONDO:0015356.

Submission:

Ambry Genetics
Classification: Uncertain significance for Hereditary cancer-predisposing syndrome. Last evaluated: 2025-08-27. Review status: criteria provided, single submitter. Criteria: Ambry Variant Classification Scheme 2023. Collection method: clinical testing. Allele origin: germline.
Comment: The p.A251G variant (also known as c.752C>G), located in coding exon 9 of the MUTYH gene, results from a C to G substitution at nucleotide position 752. The alanine at codon 251 is replaced by glycine, an amino acid with similar properties. This amino acid position is conserved. In addition, the in silico prediction for this alteration is inconclusive. Based on the available evidence, the clinical significance of this variant remains unclear.